The following is an entry in ClinVar:

ClinVar aggregate classification (germline): Uncertain significance (1 of 4 stars; one submission).

Submission:

CeGaT Center for Human Genetics Tuebingen
Classification: Uncertain significance. Last evaluated: 2022-06-01. Review status: criteria provided, single submitter. Criteria: CeGaT Center For Human Genetics Tuebingen Variant Classification Criteria Version 2. Collection method: clinical testing. Allele origin: germline. Affected: yes. Observed: 1 variant allele.
Comment: IFIH1: PM2, BP4

NM_022168.4(IFIH1):c.1126G>A (p.Glu376Lys)

Gene: IFIH1 (interferon induced with helicase C domain 1; minus strand). Cytogenetic location: 2q24.2.
Variant type: single nucleotide variant.
Coding change: c.1126G>A on transcript NM_022168.4 (MANE Select); coding-DNA position 1126, G replaced by A.
Protein change: p.Glu376Lys; replaces glutamic acid 376 with lysine.
Molecular consequence: missense variant.
Genome position (GRCh38, 1-based): chr2:162,282,546, C>T on the plus strand (G>A on the coding strand, the complement: IFIH1 is on the minus strand). VCF-style: chr2-162282546-C-T. GRCh37 (hg19) VCF-style: chr2-163139056-C-T.
Other names: short protein forms E376K.
Identifiers: ClinVar variation 2651470 (VCV002651470.24), dbSNP rs2468965775, ClinGen allele CA349003135.